The following is an entry in ClinVar:

NM_005360.5(MAF):c.1070G>A (p.Arg357Gln)

Gene: MAF (MAF bZIP transcription factor; minus strand). Cytogenetic location: 16q23.2.
Variant type: single nucleotide variant.
Coding change: c.1070G>A on transcript NM_005360.5 (MANE Select); coding-DNA position 1070, G replaced by A.
Protein change: p.Arg357Gln; replaces arginine 357 with glutamine.
Molecular consequence: missense variant.
Genome position (GRCh38, 1-based): chr16:79,598,833, C>T on the plus strand (G>A on the coding strand, the complement: MAF is on the minus strand). VCF-style: chr16-79598833-C-T. GRCh37 (hg19) VCF-style: chr16-79632730-C-T.
Other names: c.1070G>A, p.Arg357Gln (NM_001031804.3); short protein forms R357Q.
Identifiers: ClinVar variation 5020699 (VCV005020699.1).
Genomic context (GRCh38, chr16:79,598,833, plus strand): 5'-TGTCAGACTCACATGAAAAACTCGGGAGAGGACGGGTTGTCGCTGCTCGAGCCGTTTTCT[C>T]GGAAGCCGCTGCTCACCAACTTCTCGTATTTCTCCTTGTACGCGTCCCTCTCGCGCACCA-3'
Protein context (NP_005351.2, residues 347-367): KYEKLVSSGF[Arg357Gln]ENGSSSDNPS

ClinVar aggregate classification (germline): Uncertain significance (1 of 4 stars; one submission).

Submission:

Dasa
Classification: Uncertain significance. Last evaluated: 2026-02-23. Review status: criteria provided, single submitter. Criteria: DASA Assertion Criteria. Collection method: clinical testing. Allele origin: germline.
Comment: NM_005360.5(MAF):c.1070G>A (p.Arg357Gln) is a missense variant that results in the substitution of arginine with glutamine. This variant is rare in population databases. The currently available literature and clinical evidence are not sufficient to establish a definitive association between this variant and the reported condition. Therefore, this variant is classified as a variant of uncertain significance.